The following is an entry in ClinVar:

NM_006265.3(RAD21):c.160C>T (p.Arg54Trp)

Gene: RAD21 (RAD21 cohesin complex component; minus strand). Cytogenetic location: 8q24.11.
Variant type: single nucleotide variant.
Coding change: c.160C>T on transcript NM_006265.3 (MANE Select); coding-DNA position 160, C replaced by T.
Protein change: p.Arg54Trp; replaces arginine 54 with tryptophan.
Molecular consequence: missense variant.
Genome position (GRCh38, 1-based): chr8:116,863,244, G>A on the plus strand (C>T on the coding strand, the complement: RAD21 is on the minus strand). VCF-style: chr8-116863244-G-A. GRCh37 (hg19) VCF-style: chr8-117875483-G-A.
Other names: short protein forms R54W.
Identifiers: ClinVar variation 2631614 (VCV002631614.5), dbSNP rs2130479466, ClinGen allele CA372011012.
Genomic context (GRCh38, chr8:116,863,244, plus strand): 5'-GGTATTTGGCTTTCCTGTGATAGATTCGAACTACTCCCAGTAAGAGATGTCCTGATGTCC[G>A]TAATGCCATTTTCACCTATGAATAAAACATTAATCATATTCCAAAACCTGCATTTCGTGC-3'
Protein context (NP_006256.1, residues 44-64): IISPKVKMAL[Arg54Trp]TSGHLLLGVV

ClinVar aggregate classification (germline): Likely pathogenic. Review status: criteria provided, multiple submitters, no conflicts (2 of 4 stars). 3 submissions from 3 submitters: Likely pathogenic (3). Last evaluated 2026-05-02.

Conditions:
Inborn genetic diseases. Identifiers: MedGen C0950123, MeSH D030342.
RAD21-related disorder. Also called: RAD21-related condition; RAD21- Related disorders.

Allele frequency attached by ClinVar (database versions not stated): gnomAD exomes below 0.00001.
gnomAD v4.1: 1 of 1,609,244 alleles (0.000062%); highest among the groups gnomAD compares: Non-Finnish European, 0.000085%; no homozygotes.

Submissions (3):

GeneDx
Classification: Likely pathogenic. Last evaluated: 2026-05-02. Review status: criteria provided, single submitter. Criteria: GeneDx Variant Classification Process June 2021. Collection method: clinical testing. Allele origin: germline.
Comment: Not observed at significant frequency in large population cohorts (gnomAD); In silico analysis supports that this missense variant has a deleterious effect on protein structure/function; Has not been previously published as pathogenic or benign to our knowledge

Ambry Genetics
Classification: Likely pathogenic for Inborn genetic diseases. Last evaluated: 2025-04-10. Review status: criteria provided, single submitter. Criteria: Ambry Variant Classification Scheme 2023. Collection method: clinical testing. Allele origin: germline.
Comment: The c.160C>T (p.R54W) alteration is located in exon 3 (coding exon 2) of the RAD21 gene. This alteration results from a C to T substitution at nucleotide position 160, causing the arginine (R) at amino acid position 54 to be replaced by a tryptophan (W). This variant was not reported in population-based cohorts in the Genome Aggregation Database (gnomAD). This amino acid position is highly conserved in available vertebrate species. This missense alteration is located in a region that has a low rate of benign missense variation (Lek, 2016; Firth, 2009). This alteration is predicted to be deleterious by in silico analysis. Based on the available evidence, this alteration is classified as likely pathogenic.

PreventionGenetics, part of Exact Sciences
Classification: Likely pathogenic for RAD21-related condition. Last evaluated: 2023-07-27. Review status: criteria provided, single submitter. Criteria: ACMG Guidelines, 2015. Collection method: clinical testing. Allele origin: germline.
Comment: The RAD21 c.160C>T variant is predicted to result in the amino acid substitution p.Arg54Trp. To our knowledge, this variant has not been reported in the literature or in a large population database, indicating this variant is rare. This variant is interpreted as likely pathogenic.